The following is an entry in ClinVar:

NM_003676.4(DEGS1):c.548C>T (p.Thr183Met)

Gene: DEGS1 (delta 4-desaturase, sphingolipid 1; plus strand). Cytogenetic location: 1q42.11.
Variant type: single nucleotide variant.
Coding change: c.548C>T on transcript NM_003676.4 (MANE Select); coding-DNA position 548, C replaced by T.
Protein change: p.Thr183Met; replaces threonine 183 with methionine.
Molecular consequence: missense variant.
Genome position (GRCh38, 1-based): chr1:224,190,042, C>T. VCF-style: chr1-224190042-C-T. GRCh37 (hg19) VCF-style: chr1-224377744-C-T.
Other names: c.548C>T (NM_003676.2); c.548C>T, p.Thr183Met (NM_001321541.2); c.440C>T, p.Thr147Met (NM_001321542.2); short protein forms T147M, T183M.
Identifiers: ClinVar variation 1445024 (VCV001445024.7), dbSNP rs184105229, ClinGen allele CA1413649.

ClinVar aggregate classification (germline): Uncertain significance. Review status: criteria provided, multiple submitters, no conflicts (2 of 4 stars). 3 submissions from 3 submitters: Uncertain significance (3). Last evaluated 2025-11-19.

Conditions:
Inborn genetic diseases. Identifiers: MedGen C0950123, MeSH D030342.

Allele frequency attached by ClinVar (database versions not stated): gnomAD 0.00005 and 0.00006; TOPMed 0.00005; gnomAD exomes 0.00007 and 0.00009; ESP Exome Variant Server 0.00008; ExAC 0.00010; 1000 Genomes Project 30x 0.00016; 1000 Genomes Project 0.00020.
gnomAD v4.1: 138 of 1,614,180 alleles (0.0085%); highest among the groups gnomAD compares: Non-Finnish European, 0.01%; no homozygotes.

Submissions (3):

Ambry Genetics
Classification: Uncertain significance for Inborn genetic diseases. Last evaluated: 2025-11-19. Review status: criteria provided, single submitter. Criteria: Ambry Variant Classification Scheme 2023. Collection method: clinical testing. Allele origin: germline.

Blueprint Genetics
Classification: Uncertain significance. Last evaluated: 2023-03-02. Review status: criteria provided, single submitter. Criteria: ACMG Guidelines, 2015. Collection method: clinical testing. Allele origin: germline.

Labcorp Genetics (formerly Invitae), Labcorp
Classification: Uncertain significance. Last evaluated: 2021-11-12. Review status: criteria provided, single submitter. Criteria: Invitae Variant Classification Sherloc (09022015). Collection method: clinical testing. Allele origin: germline.
Comment: This variant is present in population databases (rs184105229, gnomAD 0.01%). In summary, the available evidence is currently insufficient to determine the role of this variant in disease. Therefore, it has been classified as a Variant of Uncertain Significance. Algorithms developed to predict the effect of missense changes on protein structure and function are either unavailable or do not agree on the potential impact of this missense change (SIFT: "Deleterious"; PolyPhen-2: "Possibly Damaging"; Align-GVGD: "Class C15"). This variant has not been reported in the literature in individuals affected with DEGS1-related conditions. This sequence change replaces threonine, which is neutral and polar, with methionine, which is neutral and non-polar, at codon 183 of the DEGS1 protein (p.Thr183Met).